The following is an entry in ClinVar:

NM_004963.4(GUCY2C):c.3038C>G (p.Pro1013Arg)

Genes: GUCY2C (guanylate cyclase 2C; minus strand), PLBD1-AS1 (PLBD1 antisense RNA 1; plus strand), LOC130007489 (ATAC-STARR-seq lymphoblastoid silent region 4275; plus strand). Cytogenetic location: 12p12.3.
Variant type: single nucleotide variant.
Coding change: c.3038C>G on transcript NM_004963.4 (MANE Select); coding-DNA position 3038, C replaced by G.
Protein change: p.Pro1013Arg; replaces proline 1013 with arginine.
Molecular consequence: missense variant.
Genome position (GRCh38, 1-based): chr12:14,614,876, G>C on the plus strand (C>G on the coding strand, the complement: GUCY2C is on the minus strand). VCF-style: chr12-14614876-G-C. GRCh37 (hg19) VCF-style: chr12-14767810-G-C.
Other names: c.3038C>G (NM_004963.3); short protein forms P1013R.
Identifiers: ClinVar variation 1441131 (VCV001441131.10), dbSNP rs749657039, ClinGen allele CA6462897.

ClinVar aggregate classification (germline): Uncertain significance. Review status: criteria provided, multiple submitters, no conflicts (2 of 4 stars). 2 submissions from 2 submitters: Uncertain significance (2). Last evaluated 2026-01-21.

Conditions:
Inborn genetic diseases. Identifiers: MedGen C0950123, MeSH D030342.

Allele frequency attached by ClinVar (database versions not stated): gnomAD exomes 0.00002 and 0.00006; ExAC 0.00003; TOPMed 0.00003; gnomAD 0.00004.
gnomAD v4.1: 90 of 1,584,302 alleles (0.0057%); highest among the groups gnomAD compares: Non-Finnish European, 0.0075%; no homozygotes.

Submissions (2):

Labcorp Genetics (formerly Invitae), Labcorp
Classification: Uncertain significance. Last evaluated: 2026-01-21. Review status: criteria provided, single submitter. Criteria: Invitae Variant Classification Sherloc (09022015). Collection method: clinical testing. Allele origin: germline.
Comment: This sequence change replaces proline, which is neutral and non-polar, with arginine, which is basic and polar, at codon 1013 of the GUCY2C protein (p.Pro1013Arg). This variant is present in population databases (rs749657039, gnomAD 0.005%). This variant has not been reported in the literature in individuals affected with GUCY2C-related conditions. ClinVar contains an entry for this variant (Variation ID: 1441131). An algorithm developed to predict the effect of missense changes on protein structure and function (PolyPhen-2) suggests that this variant is likely to be disruptive. In summary, the available evidence is currently insufficient to determine the role of this variant in disease. Therefore, it has been classified as a Variant of Uncertain Significance.

Ambry Genetics
Classification: Uncertain significance for Inborn genetic diseases. Last evaluated: 2024-06-22. Review status: criteria provided, single submitter. Criteria: Ambry Variant Classification Scheme 2023. Collection method: clinical testing. Allele origin: germline.